The following is an entry in ClinVar:

NM_001164665.2(KIAA1549):c.4785A>G (p.Ile1595Met)

Gene: KIAA1549 (KIAA1549; minus strand). Cytogenetic location: 7q34.
Variant type: single nucleotide variant.
Coding change: c.4785A>G on transcript NM_001164665.2 (MANE Select); coding-DNA position 4785, A replaced by G.
Protein change: p.Ile1595Met; replaces isoleucine 1595 with methionine.
Molecular consequence: missense variant.
Genome position (GRCh38, 1-based): chr7:138,868,119, T>C on the plus strand (A>G on the coding strand, the complement: KIAA1549 is on the minus strand). VCF-style: chr7-138868119-T-C. GRCh37 (hg19) VCF-style: chr7-138552865-T-C.
Other names: c.4785A>G, p.Ile1595Met (NM_020910.3); short protein forms I1595M.
Identifiers: ClinVar variation 1509958 (VCV001509958.5), dbSNP rs745684585, ClinGen allele CA4505750.

ClinVar aggregate classification (germline): Uncertain significance (1 of 4 stars; one submission).

Allele frequency attached by ClinVar (database versions not stated): gnomAD exomes below 0.00001; ExAC 0.00001.

Submission:

Labcorp Genetics (formerly Invitae), Labcorp
Classification: Uncertain significance. Last evaluated: 2022-06-20. Review status: criteria provided, single submitter. Criteria: Invitae Variant Classification Sherloc (09022015). Collection method: clinical testing. Allele origin: germline.
Comment: This sequence change replaces isoleucine, which is neutral and non-polar, with methionine, which is neutral and non-polar, at codon 1595 of the KIAA1549 protein (p.Ile1595Met). This variant is present in population databases (rs745684585, gnomAD 0.0009%). This variant has not been reported in the literature in individuals affected with KIAA1549-related conditions. Algorithms developed to predict the effect of missense changes on protein structure and function output the following: SIFT: "Tolerated"; PolyPhen-2: "Benign"; Align-GVGD: "Class C0". The methionine amino acid residue is found in multiple mammalian species, which suggests that this missense change does not adversely affect protein function. In summary, the available evidence is currently insufficient to determine the role of this variant in disease. Therefore, it has been classified as a Variant of Uncertain Significance.